The following is an entry in ClinVar:

NM_001330700.2(TOP2B):c.4339C>A (p.Leu1447Ile)

Gene: TOP2B (DNA topoisomerase II beta; minus strand). Cytogenetic location: 3p24.2.
Variant type: single nucleotide variant.
Coding change: c.4339C>A on transcript NM_001330700.2 (MANE Select); coding-DNA position 4339, C replaced by A.
Protein change: p.Leu1447Ile; replaces leucine 1447 with isoleucine.
Molecular consequence: missense variant.
Genome position (GRCh38, 1-based): chr3:25,606,082, G>T on the plus strand (C>A on the coding strand, the complement: TOP2B is on the minus strand). VCF-style: chr3-25606082-G-T. GRCh37 (hg19) VCF-style: chr3-25647573-G-T.
Other names: c.4324C>A, p.Leu1442Ile (NM_001068.3); c.4324C>A (NM_001068.2); short protein forms L1442I, L1447I.
Identifiers: ClinVar variation 1402932 (VCV001402932.8), dbSNP rs369645443, ClinGen allele CA2288117.

ClinVar aggregate classification (germline): Uncertain significance. Review status: criteria provided, multiple submitters, no conflicts (2 of 4 stars). 2 submissions from 2 submitters: Uncertain significance (2). Last evaluated 2025-06-29.

Allele frequency attached by ClinVar (database versions not stated): gnomAD exomes 0.00002 and 0.00003; ExAC 0.00005; gnomAD 0.00015 and 0.00016; ESP Exome Variant Server 0.00018; TOPMed 0.00019.
gnomAD v4.1: 70 of 1,507,640 alleles (0.0046%); highest among the groups gnomAD compares: African/African-American, 0.065%; 1 homozygote.

Submissions (2):

Ambry Genetics
Classification: Uncertain significance. Last evaluated: 2025-06-29. Review status: criteria provided, single submitter. Criteria: Ambry Variant Classification Scheme 2023. Collection method: clinical testing. Allele origin: germline.

Labcorp Genetics (formerly Invitae), Labcorp
Classification: Uncertain significance. Last evaluated: 2025-05-27. Review status: criteria provided, single submitter. Criteria: Invitae Variant Classification Sherloc (09022015). Collection method: clinical testing. Allele origin: germline.
Comment: This sequence change replaces leucine, which is neutral and non-polar, with isoleucine, which is neutral and non-polar, at codon 1442 of the TOP2B protein (p.Leu1442Ile). The frequency data for this variant in the population databases is considered unreliable, as metrics indicate poor data quality at this position in the gnomAD database. This variant has not been reported in the literature in individuals affected with TOP2B-related conditions. ClinVar contains an entry for this variant (Variation ID: 1402932). An algorithm developed to predict the effect of missense changes on protein structure and function (PolyPhen-2) suggests that this variant is likely to be tolerated. In summary, the available evidence is currently insufficient to determine the role of this variant in disease. Therefore, it has been classified as a Variant of Uncertain Significance.